The following is an entry in ClinVar:

ClinVar aggregate classification (germline): Pathogenic (1 of 4 stars; one submission).

Conditions:
Developmental and epileptic encephalopathy 94 (DEE94). Also called: CHD2-Related Neurodevelopmental Disorders; Epileptic encephalopathy, childhood-onset. Identifiers: Orphanet 1942, Orphanet 2382, MedGen C3809278, MONDO:0014150, OMIM 615369.

Submission:

North West Genomic Laboratory Hub, Manchester University NHS Foundation Trust
Classification: Pathogenic for Developmental and epileptic encephalopathy 94. Last evaluated: 2021-04-19. Review status: criteria provided, single submitter. Criteria: ACMG Guidelines, 2015. Collection method: clinical testing. Allele origin: germline. Affected: yes.
Comment: Criteria Codes: PVS1 PM2

NM_001271.4(CHD2):c.625del (p.Asp209fs)

Gene: CHD2 (chromodomain helicase DNA binding protein 2; plus strand). Cytogenetic location: 15q26.1.
Variant type: Deletion.
Coding change: c.625del on transcript NM_001271.4 (MANE Select); coding-DNA position 625, one base deleted (G; older notation c.625delG).
Protein change: p.Asp209fs; shifts the reading frame from aspartic acid 209.
Molecular consequence: frameshift variant.
Genome position (GRCh38, 1-based): chr15:92,939,651, G deleted. VCF-style (leftmost placement, unchanged base first): chr15-92939650-TG-T. GRCh37 (hg19) VCF-style: chr15-93482880-TG-T.
Other names: c.625del, p.Asp209fs (NM_001042572.3); short protein forms D209fs.
Identifiers: ClinVar variation 3075662 (VCV003075662.1), dbSNP rs2505433092, ClinGen allele CA2825002318.